The following is an entry in ClinVar:

ClinVar aggregate classification (germline): Uncertain significance (1 of 4 stars; one submission).

Conditions:
Ehlers-Danlos syndrome, type 4 (EDSVASC). Also called: Ehlers-Danlos Syndrome Type IV; Ehlers-Danlos syndrome vascular type; Ehlers Danlos syndrome, ecchymotic type; Ehlers Danlos syndrome, arterial type; Ehlers Danlos syndrome, Sack-Barabas type. Identifiers: Orphanet 286, MedGen C0268338, MONDO:0017314, OMIM 130050.

Submission:

MVZ Medizinische Genetik Mainz
Classification: Uncertain significance for Ehlers-Danlos syndrome, type 4. Last evaluated: 2025-05-20. Review status: criteria provided, single submitter. Criteria: UK Practice Guidelines For Variant Classification V4 01 2020. Collection method: clinical testing. Allele origin: germline. Inheritance: Autosomal dominant inheritance. Affected: yes. Observed: 1 variant allele.
Comment: ACMG Criteria: PM2_SUP_MOD,PP3_MOD

NM_000090.4(COL3A1):c.172G>A (p.Gly58Arg)

Gene: COL3A1 (collagen type III alpha 1 chain; plus strand). Cytogenetic location: 2q32.2.
Variant type: single nucleotide variant.
Coding change: c.172G>A on transcript NM_000090.4 (MANE Select); coding-DNA position 172, G replaced by A.
Protein change: p.Gly58Arg; replaces glycine 58 with arginine.
Molecular consequence: missense variant.
Genome position (GRCh38, 1-based): chr2:188,984,852, G>A. VCF-style: chr2-188984852-G-A. GRCh37 (hg19) VCF-style: chr2-189849578-G-A.
Other names: short protein forms G58R.
Identifiers: ClinVar variation 4072226 (VCV004072226.1).